The following is an entry in ClinVar:

ClinVar aggregate classification (germline): Benign. Review status: criteria provided, multiple submitters, no conflicts (2 of 4 stars). 2 submissions from 2 submitters: Benign (2). Last evaluated 2018-06-14.

Allele frequency attached by ClinVar (database versions not stated): gnomAD 0.23864; TOPMed 0.27181; 1000 Genomes Project 0.33007; 1000 Genomes Project 30x 0.33153.
gnomAD v4.1: 75,908 of 417,475 alleles (18%); highest among the groups gnomAD compares: African/African-American, 54%; 7,967 homozygotes.

Submissions (2):

GeneDx
Classification: Benign. Last evaluated: 2018-06-14. Review status: criteria provided, single submitter. Criteria: GeneDx Variant Classification (06012015). Collection method: clinical testing. Allele origin: germline. Affected: yes.
Comment: This variant is considered likely benign or benign based on one or more of the following criteria: it is a conservative change, it occurs at a poorly conserved position in the protein, it is predicted to be benign by multiple in silico algorithms, and/or has population frequency not consistent with disease.

Breakthrough Genomics
Classification: Benign. Review status: criteria provided, single submitter. Criteria: ACMG Guidelines, 2015. Collection method: not provided. Allele origin: germline. Inheritance: X-linked inheritance. Affected: yes.

NM_001111125.3(IQSEC2):c.737+12499A>G

Gene: IQSEC2 (IQ motif and Sec7 domain ArfGEF 2; minus strand). Cytogenetic location: Xp11.22.
Variant type: single nucleotide variant.
Coding change: c.737+12499A>G on transcript NM_001111125.3 (MANE Select); 12499 bases into the intron after coding-DNA position 737, A replaced by G.
Molecular consequence: intron variant.
Genome position (GRCh38, 1-based): chrX:53,279,396, T>C on the plus strand (A>G on the coding strand, the complement: IQSEC2 is on the minus strand). VCF-style: chrX-53279396-T-C. GRCh37 (hg19) VCF-style: chrX-53308578-T-C.
Other names: c.122+168A>G (NM_015075.2, NM_001243197.2).
Identifiers: ClinVar variation 681976 (VCV000681976.2), dbSNP rs6529669, ClinGen allele CA329172792.
Genomic context (GRCh38, chrX:53,279,396, plus strand): 5'-TTGGGGCAGGTCTCTAGGGAAGGATTTTTTTAAGGAAGGACAAATTAGATAGATCCCAAA[T>C]GTCCTCTTTGGTCTGCTGACCTGATCTTCCAGGCACTCTCCTCATACACTCGGACACCCA-3'